The following is an entry in ClinVar:

NM_001291867.2(NHS):c.2577G>C (p.Arg859Ser)

Gene: NHS (NHS actin remodeling regulator; plus strand). Cytogenetic location: Xp22.13.
Variant type: single nucleotide variant.
Coding change: c.2577G>C on transcript NM_001291867.2 (MANE Select); coding-DNA position 2577, G replaced by C.
Protein change: p.Arg859Ser; replaces arginine 859 with serine.
Molecular consequence: missense variant.
Genome position (GRCh38, 1-based): chrX:17,726,683, G>C. VCF-style: chrX-17726683-G-C. GRCh37 (hg19) VCF-style: chrX-17744803-G-C.
Other names: c.2046G>C, p.Arg682Ser (NM_001136024.4); c.1983G>C, p.Arg661Ser (NM_001291868.2); c.2514G>C, p.Arg838Ser (NM_198270.4); short protein forms R661S, R682S, R838S, R859S.
Identifiers: ClinVar variation 3369224 (VCV003369224.1).

ClinVar aggregate classification (germline): Uncertain significance (1 of 4 stars; one submission).

Submission:

GeneDx
Classification: Uncertain significance. Last evaluated: 2024-02-14. Review status: criteria provided, single submitter. Criteria: GeneDx Variant Classification Process June 2021. Collection method: clinical testing. Allele origin: germline. Affected: yes.
Comment: Not observed at significant frequency in large population cohorts (gnomAD); In silico analysis supports that this missense variant has a deleterious effect on protein structure/function; Has not been previously published as pathogenic or benign to our knowledge